The following is an entry in ClinVar:

NM_001206927.2(DNAH8):c.6721A>G (p.Ile2241Val)

Gene: DNAH8 (dynein axonemal heavy chain 8; plus strand). Cytogenetic location: 6p21.2.
Variant type: single nucleotide variant.
Coding change: c.6721A>G on transcript NM_001206927.2 (MANE Select); coding-DNA position 6721, A replaced by G.
Protein change: p.Ile2241Val; replaces isoleucine 2241 with valine.
Molecular consequence: missense variant.
Genome position (GRCh38, 1-based): chr6:38,868,089, A>G. VCF-style: chr6-38868089-A-G. GRCh37 (hg19) VCF-style: chr6-38835865-A-G.
Other names: c.6070A>G, p.Ile2024Val (NM_001371.4); short protein forms I2241V, I2024V.
Identifiers: ClinVar variation 565691 (VCV000565691.9), dbSNP rs1563049849, ClinGen allele CA364025101.

ClinVar aggregate classification (germline): Uncertain significance (1 of 4 stars; one submission).

Conditions:
Primary ciliary dyskinesia. Also called: Ciliary dyskinesia. Identifiers: Orphanet 244, MedGen C0008780, MONDO:0016575, HP:0012265.

Submission:

Labcorp Genetics (formerly Invitae), Labcorp
Classification: Uncertain significance for Primary ciliary dyskinesia. Last evaluated: 2022-07-05. Review status: criteria provided, single submitter. Criteria: Invitae Variant Classification Sherloc (09022015). Collection method: clinical testing. Allele origin: germline.
Comment: In summary, the available evidence is currently insufficient to determine the role of this variant in disease. Therefore, it has been classified as a Variant of Uncertain Significance. Algorithms developed to predict the effect of missense changes on protein structure and function are either unavailable or do not agree on the potential impact of this missense change (SIFT: "Deleterious"; PolyPhen-2: "Not Available"; Align-GVGD: "Class C0"). ClinVar contains an entry for this variant (Variation ID: 565691). This variant has not been reported in the literature in individuals affected with DNAH8-related conditions. This variant is not present in population databases (gnomAD no frequency). This sequence change replaces isoleucine, which is neutral and non-polar, with valine, which is neutral and non-polar, at codon 2241 of the DNAH8 protein (p.Ile2241Val).